The following is an entry in ClinVar:

ClinVar aggregate classification (germline): Likely benign. Review status: reviewed by expert panel (3 of 4 stars). 6 submissions from 6 submitters: Likely benign (1). 5 of the submissions do not count toward it. Last evaluated 2017-06-29.

Conditions:
Hereditary cancer-predisposing syndrome. Also called: Tumor predisposition; Hereditary Cancer Syndrome; Hereditary neoplastic syndrome; Neoplastic Syndromes, Hereditary. Identifiers: Orphanet 140162, MedGen C0027672, MeSH D009386, MONDO:0015356.
Familial cancer of breast. Also called: BREAST CANCER, FAMILIAL; hereditary breast carcinoma; Hereditary breast cancer. Identifiers: Orphanet 227535, MedGen C0346153, MONDO:0016419, OMIM 114480. Disease mechanism: loss of function.
Breast-ovarian cancer, familial, susceptibility to, 2 (BROVCA2). Also called: BRCA2 Hereditary Breast and Ovarian Cancer. Identifiers: Orphanet 145, MedGen C2675520, MONDO:0012933, OMIM 612555. Disease mechanism: loss of function.
Hereditary breast ovarian cancer syndrome. Also called: Breast and ovarian cancer; Hereditary breast and ovarian cancer syndrome; Hereditary breast and ovarian cancer; BRCA1- and BRCA2-Associated Hereditary Breast and Ovarian Cancer; Hereditary breast and ovarian cancer syndrome (HBOC); Hereditary breast and/or ovarian cancer syndrome. Identifiers: Orphanet 145, MedGen C0677776, MeSH D061325, MONDO:0003582. Disease mechanism: loss of function.

Submissions (6):

Evidence-based Network for the Interpretation of Germline Mutant Alleles (ENIGMA)
Classification: Likely benign for Breast-ovarian cancer, familial, susceptibility to, 2. Last evaluated: 2017-06-29. Review status: reviewed by expert panel. Criteria: ENIGMA BRCA1/2 Classification Criteria (2017-06-29). Collection method: curation. Allele origin: germline.
Comment: Synonymous substitution variant, with low bioinformatic likelihood to result in a splicing aberration (Splicing prior probability 0.02).

Labcorp Genetics (formerly Invitae), Labcorp
Classification: Likely benign for Hereditary breast ovarian cancer syndrome. Last evaluated: 2024-04-12. Review status: criteria provided, single submitter. Criteria: Invitae Variant Classification Sherloc (09022015). Collection method: clinical testing. Allele origin: germline. Not counted in ClinVar's aggregate classification.

Ambry Genetics
Classification: Likely benign for Hereditary cancer-predisposing syndrome. Last evaluated: 2023-09-02. Review status: criteria provided, single submitter. Criteria: Ambry Variant Classification Scheme 2023. Collection method: clinical testing. Allele origin: germline. Not counted in ClinVar's aggregate classification.

Department of Pathology and Laboratory Medicine, Sinai Health System
Classification: Likely benign for Familial cancer of breast; Breast-ovarian cancer, familial, susceptibility to, 2. Last evaluated: 2021-07-29. Review status: criteria provided, single submitter. Criteria: ACMG Guidelines, 2015. Collection method: clinical testing. Allele origin: germline. Affected: yes. Not counted in ClinVar's aggregate classification.

Color Diagnostics, LLC DBA Color Health
Classification: Likely benign for Hereditary cancer-predisposing syndrome. Last evaluated: 2019-07-01. Review status: criteria provided, single submitter. Criteria: ACMG Guidelines, 2015. Collection method: clinical testing. Allele origin: germline. Not counted in ClinVar's aggregate classification.

Genetic Services Laboratory, University of Chicago
Classification: Likely benign. Last evaluated: 2016-10-26. Review status: criteria provided, single submitter. Criteria: ACMG Guidelines, 2015. Collection method: clinical testing. Allele origin: germline. Affected: no. Not counted in ClinVar's aggregate classification.

NM_000059.4(BRCA2):c.3051C>T (p.Ile1017=)

Gene: BRCA2 (BRCA2 DNA repair associated; plus strand). Cytogenetic location: 13q13.1.
Variant type: single nucleotide variant.
Coding change: c.3051C>T on transcript NM_000059.4 (MANE Select); coding-DNA position 3051, C replaced by T.
Protein change: p.Ile1017=; no amino-acid change (isoleucine 1017 retained).
Molecular consequence: synonymous variant.
Genome position (GRCh38, 1-based): chr13:32,337,406, C>T. VCF-style: chr13-32337406-C-T. GRCh37 (hg19) VCF-style: chr13-32911543-C-T.
Identifiers: ClinVar variation 184600 (VCV000184600.22), dbSNP rs786201561, ClinGen allele CA017088.